The following is an entry in ClinVar:

NM_004946.3(DOCK2):c.2976G>A (p.Met992Ile)

Gene: DOCK2 (dedicator of cytokinesis 2; plus strand). Cytogenetic location: 5q35.1.
Variant type: single nucleotide variant.
Coding change: c.2976G>A on transcript NM_004946.3 (MANE Select); coding-DNA position 2976, G replaced by A.
Protein change: p.Met992Ile; replaces methionine 992 with isoleucine.
Molecular consequence: missense variant. On other transcripts: non-coding transcript variant (1).
Genome position (GRCh38, 1-based): chr5:169,985,905, G>A. VCF-style: chr5-169985905-G-A. GRCh37 (hg19) VCF-style: chr5-169412909-G-A.
Other names: short protein forms M992I.
Identifiers: ClinVar variation 960474 (VCV000960474.7), dbSNP rs1778057311, ClinGen allele CA362101932.

ClinVar aggregate classification (germline): Uncertain significance (1 of 4 stars; one submission).

Conditions:
DOCK2 deficiency. Also called: Immunodeficiency 40. Identifiers: Orphanet 447737, MedGen C4225328, MONDO:0014637, OMIM 616433.

gnomAD v4.1: 1 of 1,610,778 alleles (0.000062%); highest among the groups gnomAD compares: Non-Finnish European, 0.000085%; no homozygotes.

Submission:

Labcorp Genetics (formerly Invitae), Labcorp
Classification: Uncertain significance for DOCK2 deficiency. Last evaluated: 2021-08-31. Review status: criteria provided, single submitter. Criteria: Invitae Variant Classification Sherloc (09022015). Collection method: clinical testing. Allele origin: germline.
Comment: This sequence change replaces methionine with isoleucine at codon 992 of the DOCK2 protein (p.Met992Ile). The methionine residue is highly conserved and there is a small physicochemical difference between methionine and isoleucine. This variant is not present in population databases (ExAC no frequency). This variant has not been reported in the literature in individuals affected with DOCK2-related conditions. Algorithms developed to predict the effect of missense changes on protein structure and function are either unavailable or do not agree on the potential impact of this missense change (SIFT: "Deleterious"; PolyPhen-2: "Probably Damaging"; Align-GVGD: "Class C0"). In summary, the available evidence is currently insufficient to determine the role of this variant in disease. Therefore, it has been classified as a Variant of Uncertain Significance.